The following is an entry in ClinVar:

ClinVar aggregate classification (germline): Uncertain significance (1 of 4 stars; one submission).

Submission:

Labcorp Genetics (formerly Invitae), Labcorp
Classification: Uncertain significance. Last evaluated: 2021-01-25. Review status: criteria provided, single submitter. Criteria: Invitae Variant Classification Sherloc (09022015). Collection method: clinical testing. Allele origin: germline.
Comment: This variant has not been reported in the literature in individuals with TPP1-related conditions. This variant is not present in population databases (ExAC no frequency). This sequence change replaces threonine with serine at codon 559 of the TPP1 protein (p.Thr559Ser). The threonine residue is moderately conserved and there is a small physicochemical difference between threonine and serine. Advanced modeling of protein sequence and biophysical properties (such as structural, functional, and spatial information, amino acid conservation, physicochemical variation, residue mobility, and thermodynamic stability) performed at Invitae indicates that this missense variant is not expected to disrupt TPP1 protein function. In summary, the available evidence is currently insufficient to determine the role of this variant in disease. Therefore, it has been classified as a Variant of Uncertain Significance.

NM_000391.4(TPP1):c.1676C>G (p.Thr559Ser)

Gene: TPP1 (tripeptidyl peptidase 1; minus strand). Cytogenetic location: 11p15.4.
Variant type: single nucleotide variant.
Coding change: c.1676C>G on transcript NM_000391.4 (MANE Select); coding-DNA position 1676, C replaced by G.
Protein change: p.Thr559Ser; replaces threonine 559 with serine.
Molecular consequence: missense variant.
Genome position (GRCh38, 1-based): chr11:6,614,562, G>C on the plus strand (C>G on the coding strand, the complement: TPP1 is on the minus strand). VCF-style: chr11-6614562-G-C. GRCh37 (hg19) VCF-style: chr11-6635793-G-C.
Other names: short protein forms T559S.
Identifiers: ClinVar variation 1460825 (VCV001460825.8), dbSNP rs2134590272, ClinGen allele CA379471946.